The following is an entry in ClinVar:

ClinVar aggregate classification (germline): Conflicting classifications of pathogenicity. Review status: criteria provided, conflicting classifications (1 of 4 stars). 2 submissions from 2 submitters: Uncertain significance (1); Likely benign (1). Last evaluated 2024-05-02.

Conditions:
Familial cancer of breast. Also called: Hereditary breast cancer; hereditary breast carcinoma; BREAST CANCER, FAMILIAL. Identifiers: Orphanet 227535, MedGen C0346153, MONDO:0016419, OMIM 114480. Disease mechanism: loss of function.
Ataxia-telangiectasia syndrome (AT). Also called: AT, COMPLEMENTATION GROUP C; Ataxia telangiectasia (A-T); ATAXIA-TELANGIECTASIA, COMPLEMENTATION GROUP A; ATAXIA-TELANGIECTASIA, FRESNO VARIANT; Ataxia-telangiectasia, complementation group D; Ataxia-telangiectasia, complementation group E. Identifiers: Orphanet 100, MedGen C0004135, MONDO:0008840, OMIM 208900.

Allele frequency attached by ClinVar (database versions not stated): gnomAD exomes below 0.00001; ExAC 0.00001; 1000 Genomes Project 0.00020; 1000 Genomes Project 30x 0.00031.
gnomAD v4.1: 3 of 1,607,984 alleles (0.00019%); highest among the groups gnomAD compares: East Asian, 0.0022%; no homozygotes.

Submissions (2):

Myriad Genetics, Inc.
Classification: Likely benign for Familial cancer of breast. Last evaluated: 2024-05-02. Review status: criteria provided, single submitter. Criteria: Myriad Autosomal Dominant, Autosomal Recessive and X-Linked Classification Criteria (2023). Collection method: clinical testing. Allele origin: unknown.
Comment: This variant is considered likely benign. This variant is intronic and is not expected to impact mRNA splicing.

Labcorp Genetics (formerly Invitae), Labcorp
Classification: Uncertain significance for Ataxia-telangiectasia syndrome. Last evaluated: 2023-04-28. Review status: criteria provided, single submitter. Criteria: Invitae Variant Classification Sherloc (09022015). Collection method: clinical testing. Allele origin: germline.
Comment: The frequency data for this variant in the population databases is considered unreliable, as metrics indicate poor data quality at this position in the gnomAD database. In summary, the available evidence is currently insufficient to determine the role of this variant in disease. Therefore, it has been classified as a Variant of Uncertain Significance. Algorithms developed to predict the effect of sequence changes on RNA splicing suggest that this variant may create or strengthen a splice site. This variant has not been reported in the literature in individuals affected with ATM-related conditions. This sequence change falls in intron 12 of the ATM gene. It does not directly change the encoded amino acid sequence of the ATM protein.

NM_000051.4(ATM):c.1899-8T>C

Gene: ATM (ATM serine/threonine kinase; plus strand). Cytogenetic location: 11q22.3.
Variant type: single nucleotide variant.
Coding change: c.1899-8T>C on transcript NM_000051.4 (MANE Select); 8 bases into the intron before coding-DNA position 1899, T replaced by C.
Molecular consequence: intron variant.
Genome position (GRCh38, 1-based): chr11:108,253,806, T>C. VCF-style: chr11-108253806-T-C. GRCh37 (hg19) VCF-style: chr11-108124533-T-C.
Other names: c.1899-8T>C (NM_001351834.2).
Identifiers: ClinVar variation 2859888 (VCV002859888.4), dbSNP rs529035779, ClinGen allele CA6264909.
Genomic context (GRCh38, chr11:108,253,806, plus strand): 5'-TTGCTAATACATATAAGGCAAAGCATTAGGTACTTGGTTTATATATTAAAGATCTTACTT[T>C]CTTGAAGTGAACACCACCAAAAAGATAAAGAAGAACTTTCATTCTCAGAAGTAGAAGAAC-3'